The following is an entry in ClinVar:

ClinVar aggregate classification (germline): Uncertain significance (1 of 4 stars; one submission).

Submission:

Labcorp Genetics (formerly Invitae), Labcorp
Classification: Uncertain significance. Last evaluated: 2022-12-31. Review status: criteria provided, single submitter. Criteria: Invitae Variant Classification Sherloc (09022015). Collection method: clinical testing. Allele origin: germline.
Comment: This variant has not been reported in the literature in individuals affected with AK7-related conditions. In summary, the available evidence is currently insufficient to determine the role of this variant in disease. Therefore, it has been classified as a Variant of Uncertain Significance. This variant is present in population databases (rs772466547, gnomAD 0.0009%). This sequence change creates a premature translational stop signal (p.Pro88Leufs*5) in the AK7 gene. It is expected to result in an absent or disrupted protein product. However, the current clinical and genetic evidence is not sufficient to establish whether loss-of-function variants in AK7 cause disease.

NM_152327.5(AK7):c.262_263insTGCC (p.Pro88fs)

Gene: AK7 (adenylate kinase 7; plus strand). Cytogenetic location: 14q32.2.
Variant type: Insertion.
Coding change: c.262_263insTGCC on transcript NM_152327.5 (MANE Select); coding-DNA positions 262 to 263, TGCC inserted.
Protein change: p.Pro88fs; shifts the reading frame from proline 88.
Molecular consequence: frameshift variant.
Genome position: GRCh38 VCF-style: chr14-96398228-A-AGCCT. GRCh37 (hg19) VCF-style: chr14-96864565-A-AGCCT.
Other names: c.262_263insTGCC, p.Pro88fs (NM_001350888.2, NM_001350890.2, NM_001350891.2 and 1 more transcripts); short protein forms P88fs.
Identifiers: ClinVar variation 2894602 (VCV002894602.2), dbSNP rs772466547, ClinGen allele CA7337389.